The following is an entry in ClinVar:

NM_003742.4(ABCB11):c.2931del (p.Ala978fs)

Gene: ABCB11 (ATP binding cassette subfamily B member 11; minus strand). Cytogenetic location: 2q31.1.
Variant type: Deletion.
Coding change: c.2931del on transcript NM_003742.4 (MANE Select); coding-DNA position 2931, one base deleted (A; older notation c.2931delA).
Protein change: p.Ala978fs; shifts the reading frame from alanine 978.
Molecular consequence: frameshift variant.
Genome position (GRCh38, 1-based): chr2:168,935,309, T deleted on the plus strand (A on the coding strand, the reverse complement: ABCB11 is on the minus strand); the first of 3 consecutive T bases (chr2:168,935,309-168,935,311); deleting any one gives the same sequence. VCF-style (leftmost placement, unchanged base first): chr2-168935308-CT-C. GRCh37 (hg19) VCF-style: chr2-169791818-CT-C.
Other names: short protein forms A978fs.
Identifiers: ClinVar variation 4845956 (VCV004845956.1).

ClinVar aggregate classification (germline): Pathogenic (1 of 4 stars; one submission).

Conditions:
Familial intrahepatic cholestasis. Identifiers: Orphanet 284385, MedGen CN296401, MONDO:0017290.

Submission:

Genomenon, Inc
Classification: Pathogenic for Familial intrahepatic cholestasis. Last evaluated: 2026-04-14. Review status: criteria provided, single submitter. Criteria: Genomenon Sequence Variant Interpretation Standards - Updated. Collection method: curation. Allele origin: germline. Affected: yes.
Comment: ABCB11 p.Ala978ProfsTer29 (c.2931del) is a frameshift variant that results in the production of a truncated protein which is predicted to undergo nonsense-mediated mRNA decay. This variant has been observed in at least one proband with an ABCB11-related disorder (PMID:32087350). It is absent or not present at a significant frequency in gnomAD. In conclusion, we classify ABCB11 p.Ala978ProfsTer29 (c.2931del) as a pathogenic variant.

Literature cited by the submitters: PubMed 32087350.